The following is an entry in ClinVar:

ClinVar aggregate classification (germline): Uncertain significance (1 of 4 stars; one submission).

Conditions:
Leukodystrophy. Identifiers: Orphanet 68356, MedGen C0023520, MONDO:0019046, HP:0002415.

Allele frequency attached by ClinVar (database versions not stated): gnomAD exomes below 0.00001; TOPMed below 0.00001; ExAC 0.00001.
gnomAD v4.1: 4 of 1,612,850 alleles (0.00025%); highest among the groups gnomAD compares: Non-Finnish European, 0.00025%; no homozygotes.

Submission:

Broad Center for Mendelian Genomics, Broad Institute of MIT and Harvard
Classification: Uncertain significance for Leukodystrophy. Last evaluated: 2023-01-24. Review status: criteria provided, single submitter. Criteria: ACMG Guidelines, 2015. Collection method: curation. Allele origin: germline. Inheritance: Autosomal recessive inheritance.
Comment: The c.4025-1G>A variant in POLR3A has been reported in 1 individual, in the compound heterozygous state, with hypomyelinating leukodystrophy (PMID: 31940116), and has been identified in 0.0009% (1/113704) of European (non-Finnish) chromosomes by the Genome Aggregation Database (gnomAD; dbSNP ID: rs776026515). Although this variant has been seen in the general population in a heterozygous state, its frequency is low enough to be consistent with a recessive carrier frequency. This variant is located in the 5' splice region. Computational tools do predict a splicing impact, though this information is not predictive enough to determine pathogenicity. This variant is adjacent to the last exon and is more likely to escape nonsense mediated decay (NMD) and result in a truncated protein. In summary, while there is some suspicion for a pathogenic role, the clinical significance of this variant is uncertain. ACMG/AMP Criteria applied: PVS1_moderate, PM2_supporting, PM3 (Richards 2015).

NM_007055.4(POLR3A):c.4025-1G>A

Gene: POLR3A (RNA polymerase III subunit A; minus strand). Cytogenetic location: 10q22.3.
Variant type: single nucleotide variant.
Coding change: c.4025-1G>A on transcript NM_007055.4 (MANE Select); the canonical splice acceptor site of the intron before coding-DNA position 4025, G replaced by A.
Molecular consequence: splice acceptor variant.
Genome position (GRCh38, 1-based): chr10:77,977,627, C>T on the plus strand (G>A on the coding strand, the complement: POLR3A is on the minus strand). VCF-style: chr10-77977627-C-T. GRCh37 (hg19) VCF-style: chr10-79737385-C-T.
Other names: NM_007055.4:c.4025-1G>A.
Identifiers: ClinVar variation 2412669 (VCV002412669.1), dbSNP rs776026515, ClinGen allele CA5570611.
Genomic context (GRCh38, chr10:77,977,627, plus strand): 5'-GCTTGAAGAGCCCGGTTCCAATGTTCATTGGGATTCCCATGATGATGCACTCAGACACCC[C>T]TGAAACCAACCAGAATGAACATCAGAGAGCCTCTAAACACAAGGTACATTTTCACGAAGA-3'